The following is an entry in ClinVar:

NM_153704.6(TMEM67):c.485T>C (p.Val162Ala)

Gene: TMEM67 (transmembrane protein 67; plus strand). Cytogenetic location: 8q22.1.
Variant type: single nucleotide variant.
Coding change: c.485T>C on transcript NM_153704.6 (MANE Select); coding-DNA position 485, T replaced by C.
Protein change: p.Val162Ala; replaces valine 162 with alanine.
Molecular consequence: missense variant. On other transcripts: non-coding transcript variant (1).
Genome position (GRCh38, 1-based): chr8:93,763,920, T>C. VCF-style: chr8-93763920-T-C. GRCh37 (hg19) VCF-style: chr8-94776148-T-C.
Other names: c.242T>C, p.Val81Ala (NM_001142301.1); short protein forms V162A, V81A.
Identifiers: ClinVar variation 2104352 (VCV002104352.2), dbSNP rs747182514, ClinGen allele CA4807658.
Genomic context (GRCh38, chr8:93,763,920, plus strand): 5'-GAACATTGTTGTCTCAAGCAACTTGTGAGCTCTGTGATGGAAATGAAAACTCTTTTATGG[T>C]AGTAAATGCTTTAGGAGACAGGTAAGCAGTGTGATGGGGGCTAACTTCATTAATATCATC-3'
Protein context (NP_714915.3, residues 152-172): LCDGNENSFM[Val162Ala]VNALGDRCVR

ClinVar aggregate classification (germline): Uncertain significance. Review status: criteria provided, multiple submitters, no conflicts (2 of 4 stars). 2 submissions from 2 submitters: Uncertain significance (2). Last evaluated 2025-03-31.

Conditions:
Joubert syndrome. Also called: CEREBELLOPARENCHYMAL DISORDER IV; JOUBERT-BOLTSHAUSER SYNDROME; Familial aplasia of the vermis. Identifiers: Orphanet 475, MedGen C5979921, MONDO:0018772.
Meckel-Gruber syndrome. Also called: DYSENCEPHALIA SPLANCHNOCYSTICA; GRUBER SYNDROME; Dysencephalia splachnocystica. Identifiers: Orphanet 564, MedGen C0265215, MONDO:0018921.

Allele frequency attached by ClinVar (database versions not stated): gnomAD exomes 0.00001; ExAC 0.00002.
gnomAD v4.1: 13 of 1,613,102 alleles (0.00081%); highest among the groups gnomAD compares: South Asian, 0.014%; no homozygotes.

Submissions (2):

GeneDx
Classification: Uncertain significance. Last evaluated: 2025-03-31. Review status: criteria provided, single submitter. Criteria: GeneDx Variant Classification Process June 2021. Collection method: clinical testing. Allele origin: germline. Affected: yes.
Comment: Not observed at significant frequency in large population cohorts (gnomAD); In silico analysis supports that this missense variant has a deleterious effect on protein structure/function; Has not been previously published as pathogenic or benign to our knowledge

Labcorp Genetics (formerly Invitae), Labcorp
Classification: Uncertain significance for Joubert syndrome; Meckel-Gruber syndrome. Last evaluated: 2022-02-28. Review status: criteria provided, single submitter. Criteria: Invitae Variant Classification Sherloc (09022015). Collection method: clinical testing. Allele origin: germline.
Comment: This sequence change replaces valine, which is neutral and non-polar, with alanine, which is neutral and non-polar, at codon 162 of the TMEM67 protein (p.Val162Ala). This variant is present in population databases (rs747182514, gnomAD 0.01%). This variant has not been reported in the literature in individuals affected with TMEM67-related conditions. Advanced modeling of protein sequence and biophysical properties (such as structural, functional, and spatial information, amino acid conservation, physicochemical variation, residue mobility, and thermodynamic stability) performed at Invitae indicates that this missense variant is not expected to disrupt TMEM67 protein function. Algorithms developed to predict the effect of sequence changes on RNA splicing suggest that this variant may create or strengthen a splice site. In summary, the available evidence is currently insufficient to determine the role of this variant in disease. Therefore, it has been classified as a Variant of Uncertain Significance.